The following is an entry in ClinVar:

ClinVar aggregate classification (germline): Uncertain significance (1 of 4 stars; one submission).

Conditions:
Hereditary cancer-predisposing syndrome. Also called: Tumor predisposition; Neoplastic Syndromes, Hereditary; Hereditary neoplastic syndrome; Hereditary Cancer Syndrome. Identifiers: Orphanet 140162, MedGen C0027672, MeSH D009386, MONDO:0015356.

Submission:

Ambry Genetics
Classification: Uncertain significance for Hereditary cancer-predisposing syndrome. Last evaluated: 2025-08-27. Review status: criteria provided, single submitter. Criteria: Ambry Variant Classification Scheme 2023. Collection method: clinical testing. Allele origin: germline.
Comment: The p.G35V variant (also known as c.104G>T), located in coding exon 2 of the MUTYH gene, results from a G to T substitution at nucleotide position 104. The glycine at codon 35 is replaced by valine, an amino acid with dissimilar properties. This amino acid position is conserved. In addition, this alteration is predicted to be tolerated by in silico analysis. Based on the available evidence, the clinical significance of this variant remains unclear.

NM_001048174.2(MUTYH):c.62G>T (p.Gly21Val)

Gene: MUTYH (mutY DNA glycosylase; minus strand). Cytogenetic location: 1p34.1.
Variant type: single nucleotide variant.
Coding change: c.62G>T on transcript NM_001048174.2 (MANE Select); coding-DNA position 62, G replaced by T.
Protein change: p.Gly21Val; replaces glycine 21 with valine.
Molecular consequence: missense variant. On other transcripts: 5 prime UTR variant (7), non-coding transcript variant (7).
Genome position (GRCh38, 1-based): chr1:45,334,444, C>A on the plus strand (G>T on the coding strand, the complement: MUTYH is on the minus strand). VCF-style: chr1-45334444-C-A. GRCh37 (hg19) VCF-style: chr1-45800116-C-A.
Other names: c.62G>T, p.Gly21Val (NM_001048171.2, NM_001048172.2, NM_001048173.2 and 15 more transcripts); c.104G>T, p.Gly35Val (NM_001128425.2, NM_001293190.2, NM_001407069.1 and 2 more transcripts); c.-151G>T (NM_001293192.2, NM_001293196.2, NM_001407091.1); c.-210G>T (NM_001350650.2); c.-146G>T (NM_001350651.2, NM_001407082.1); c.-95G>T (NM_001407075.1); c.80G>T, p.Gly27Val (NM_001407087.1); short protein forms G21V, G27V, G35V.
Identifiers: ClinVar variation 4112964 (VCV004112964.1).
Genomic context (GRCh38, chr1:45,334,444, plus strand): 5'-TCCTTACCATCACAGGCAGAAGGCTTGGCCTGACTGTTGTTCTTAGCATGCTTCTGCCTC[C>A]CTTCCTGGCTGGCTGCCTGCTTCCTGTGACCACTTCCCACGGCTGCTCGTGGCTTCCTCA-3'
Protein context (NP_001041639.1, residues 11-31): GHRKQAASQE[Gly21Val]RQKHAKNNSQ